The following is an entry in ClinVar:

NM_003002.4(SDHD):c.278_280dup (p.Tyr93dup)

Gene: SDHD (succinate dehydrogenase complex subunit D; plus strand). Cytogenetic location: 11q23.1.
Variant type: Duplication.
Coding change: c.278_280dup on transcript NM_003002.4 (MANE Select); coding-DNA positions 278 to 280, 3 bases duplicated (ATT; older notation c.278_280dupATT).
Protein change: p.Tyr93dup; duplicates tyrosine 93.
Molecular consequence: inframe insertion. On other transcripts: non-coding transcript variant (1), intron variant (1).
Genome position (GRCh38, 1-based): chr11:112,088,975-112,088,977, ATT duplicated; duplicating any 3 consecutive bases within chr11:112,088,974-112,088,977 gives the same sequence; the c. name uses the placement nearest the transcript's 3' end. VCF-style (leftmost placement, unchanged base first): chr11-112088973-C-CTAT. GRCh37 (hg19) VCF-style: chr11-111959697-C-CTAT.
Other names: c.161_163dup, p.Tyr54dup (NM_001276504.2); c.278_280dup, p.Tyr93dup (NM_001276506.2); c.169+1002_169+1004dup (NM_001276503.2).
Identifiers: ClinVar variation 821802 (VCV000821802.6), dbSNP rs121908983, ClinGen allele CA070992.
Genomic context (GRCh38, chr11:112,088,973, plus strand): 5'-CAGTGTTTTGCTCCTGGGTCTGCTTCCGGCTGCTTATTTGAATCCTTGCTCTGCGATGGA[C>CTAT]TATTCCCTGGCTGCAGCCCTCACTCTTCATGGTCACTGGCAAGTATAGCAATTCCAAATA-3'

ClinVar aggregate classification (germline): Likely pathogenic (1 of 4 stars; one submission).

Conditions:
Hereditary cancer-predisposing syndrome. Also called: Tumor predisposition; Hereditary Cancer Syndrome; Neoplastic Syndromes, Hereditary; Hereditary neoplastic syndrome. Identifiers: Orphanet 140162, MedGen C0027672, MeSH D009386, MONDO:0015356.

Submission:

Ambry Genetics
Classification: Likely pathogenic for Hereditary cancer-predisposing syndrome. Last evaluated: 2025-08-27. Review status: criteria provided, single submitter. Criteria: Ambry Variant Classification Scheme 2023. Collection method: clinical testing. Allele origin: germline.
Comment: The c.278_280dupATT variant (also known as p.Y93dup), located in coding exon 3 of the SDHD gene, results from an in-frame duplication of ATT at nucleotide positions 278 to 280. This results in the duplication of an extra residue between codons 93 and 94. This variant was detected in individuals with carotid body tumors (Ambry internal data). Based on internal structural assessment, this alteration disrupts the fold of the SDHD protein (Sun F et al. Cell, 2005 Jul;121:1043-57). In addition, this alteration is predicted to be deleterious by in silico analysis (Choi Y et al. PLoS ONE. 2012;7:e46688). Based on the majority of available evidence to date, this variant is likely to be pathogenic.

Literature cited by the submitters: PubMed 15989954.